The following is an entry in ClinVar:

NM_005529.7(HSPG2):c.2165A>G (p.His722Arg)

Gene: HSPG2 (heparan sulfate proteoglycan 2; minus strand). Cytogenetic location: 1p36.12.
Variant type: single nucleotide variant.
Coding change: c.2165A>G on transcript NM_005529.7 (MANE Select); coding-DNA position 2165, A replaced by G.
Protein change: p.His722Arg; replaces histidine 722 with arginine.
Molecular consequence: missense variant.
Genome position (GRCh38, 1-based): chr1:21,880,393, T>C on the plus strand (A>G on the coding strand, the complement: HSPG2 is on the minus strand). VCF-style: chr1-21880393-T-C. GRCh37 (hg19) VCF-style: chr1-22206886-T-C.
Other names: c.2168A>G, p.His723Arg (NM_001291860.2); short protein forms H722R, H723R.
Identifiers: ClinVar variation 1330584 (VCV001330584.10), dbSNP rs1279178543, ClinGen allele CA338965475.

ClinVar aggregate classification (germline): Uncertain significance. Review status: criteria provided, multiple submitters, no conflicts (2 of 4 stars). 2 submissions from 2 submitters: Uncertain significance (2). Last evaluated 2023-09-19.

Allele frequency attached by ClinVar (database versions not stated): gnomAD exomes below 0.00001; TOPMed 0.00002; gnomAD 0.00003 and 0.00004.
gnomAD v4.1: 6 of 1,613,896 alleles (0.00037%); highest among the groups gnomAD compares: Admixed American, 0.0083%; no homozygotes.

Submissions (2):

Labcorp Genetics (formerly Invitae), Labcorp
Classification: Uncertain significance. Last evaluated: 2023-09-19. Review status: criteria provided, single submitter. Criteria: Invitae Variant Classification Sherloc (09022015). Collection method: clinical testing. Allele origin: germline.
Comment: ClinVar contains an entry for this variant (Variation ID: 1330584). This variant has not been reported in the literature in individuals affected with HSPG2-related conditions. This variant is not present in population databases (gnomAD no frequency). This sequence change replaces histidine, which is basic and polar, with arginine, which is basic and polar, at codon 722 of the HSPG2 protein (p.His722Arg). An algorithm developed to predict the effect of missense changes on protein structure and function (PolyPhen-2) suggests that this variant is likely to be tolerated. In summary, the available evidence is currently insufficient to determine the role of this variant in disease. Therefore, it has been classified as a Variant of Uncertain Significance.

ARUP Laboratories, Molecular Genetics and Genomics, ARUP Laboratories
Classification: Uncertain significance. Last evaluated: 2021-10-21. Review status: criteria provided, single submitter. Criteria: ARUP Molecular Germline Variant Investigation Process 2021. Collection method: clinical testing. Allele origin: germline.
Comment: The HSPG2 c.2165A>G; p.His722Arg variant (rs1279178543), to our knowledge, is not reported in the medical literature or gene-specific databases. This variant is also absent from general population databases (Exome Variant Server, Genome Aggregation Database), indicating it is not a common polymorphism. The histidine at codon 722 is moderately conserved, and computational analyses predict that this variant is neutral (REVEL: 0.087). However, due to limited information, the clinical significance of the p.His722Arg variant is uncertain at this time.